The following is an entry in ClinVar:

ClinVar aggregate classification (germline): Uncertain significance (1 of 4 stars; one submission).

Allele frequency attached by ClinVar (database versions not stated): gnomAD 0.00003; TOPMed 0.00006.
gnomAD v4.1: 24 of 1,366,502 alleles (0.0018%); highest among the groups gnomAD compares: Admixed American, 0.037%; no homozygotes.

Submission:

GeneDx
Classification: Uncertain significance. Last evaluated: 2025-12-03. Review status: criteria provided, single submitter. Criteria: GeneDx Variant Classification Process June 2021. Collection method: clinical testing. Allele origin: germline.
Comment: Has not been previously published as pathogenic or benign to our knowledge; In silico analysis supports a deleterious effect on splicing; Located in a regulatory region; in the absence of functional studies, the actual effect of this sequence change is unknown

NM_004999.4(MYO6):c.-47-3C>G

Gene: MYO6 (myosin VI; plus strand). Cytogenetic location: 6q14.1.
Variant type: single nucleotide variant.
Coding change: c.-47-3C>G on transcript NM_004999.4 (MANE Select); 3 bases into the intron before 47 bases upstream of the start codon, C replaced by G.
Molecular consequence: intron variant.
Genome position (GRCh38, 1-based): chr6:75,817,498, C>G. VCF-style: chr6-75817498-C-G. GRCh37 (hg19) VCF-style: chr6-76527215-C-G.
Other names: c.-47-3C>G (NM_001368865.1, NM_001368866.1, NM_001368137.1 and 5 more transcripts).
Identifiers: ClinVar variation 2662650 (VCV002662650.2), dbSNP rs781619304, ClinGen allele CA3896683.